The following is an entry in ClinVar:

ClinVar aggregate classification (germline): Uncertain significance. Review status: criteria provided, multiple submitters, no conflicts (2 of 4 stars). 2 submissions from 2 submitters: Uncertain significance (2). Last evaluated 2025-08-26.

Conditions:
Autosomal dominant nonsyndromic hearing loss. Also called: Rare autosomal dominant non-syndromic sensorineural deafness type DFNA. Identifiers: Orphanet 90635, MedGen C5779548, MONDO:0019587.

Submissions (2):

GeneDx
Classification: Uncertain significance. Last evaluated: 2025-08-26. Review status: criteria provided, single submitter. Criteria: GeneDx Variant Classification Process June 2021. Collection method: clinical testing. Allele origin: germline. Affected: yes.
Comment: Not observed at significant frequency in large population cohorts (gnomAD); In silico analysis supports that this missense variant has a deleterious effect on protein structure/function; Has not been previously published as pathogenic or benign to our knowledge

Molecular Genetics, Royal Melbourne Hospital
Classification: Uncertain significance for Autosomal dominant nonsyndromic hearing loss. Last evaluated: 2024-08-05. Review status: criteria provided, single submitter. Criteria: ACMG Guidelines, 2015. Collection method: clinical testing. Allele origin: germline. Inheritance: Autosomal dominant inheritance. Affected: yes.
Comment: This sequence change in MYH14 is predicted to replace arginine with histidine at codon 767, p.(Arg767His). The arginine residue is highly conserved (100 vertebrates, Multiz Alignments), and is located in the myosin motor domain in a region (amino acids 764-781) that is highly intolerant to missense variation. There is a small physicochemical difference between arginine and histidine. This variant is absent from the population database gnomAD v4.1. To our knowledge, this variant has not been previously reported in the relevant scientific literature. The variant has been detected in individuals with hearing loss (Royal Melbourne Hospital; GeneDx personal communication). Computational evidence predicts a deleterious effect for the missense substitution (REVEL = 0.82). Another missense variant (c.2299C>A, p.Arg767Ser) in the same codon with a larger physicochemical difference than this variant has been reported in individuals with deafness (PMID: 15845534, 15015131). Based on the classification scheme RMH Modified ACMG/AMP Guidelines v1.6.1, this variant is classified as a VARIANT OF UNCERTAIN SIGNIFICANCE. Following criteria are met: PM1, PM2_Supporting, PS4_Supporting, PP3.

Literature cited by the submitters: PubMed 15015131 (cited by Molecular Genetics, Royal Melbourne Hospital); PubMed 15845534 (cited by Molecular Genetics, Royal Melbourne Hospital).

NM_001145809.2(MYH14):c.2300G>A (p.Arg767His)

Gene: MYH14 (myosin heavy chain 14; plus strand). Cytogenetic location: 19q13.33.
Variant type: single nucleotide variant.
Coding change: c.2300G>A on transcript NM_001145809.2 (MANE Select); coding-DNA position 2300, G replaced by A.
Protein change: p.Arg767His; replaces arginine 767 with histidine.
Molecular consequence: missense variant.
Genome position (GRCh38, 1-based): chr19:50,259,211, G>A. VCF-style: chr19-50259211-G-A. GRCh37 (hg19) VCF-style: chr19-50762468-G-A.
Other names: c.2201G>A, p.Arg734His (NM_001077186.2); c.2177G>A, p.Arg726His (NM_024729.4); short protein forms R726H, R734H, R767H.
Identifiers: ClinVar variation 1188774 (VCV001188774.6), dbSNP rs2123341583, ClinGen allele CA406944926.